The following is an entry in ClinVar:

ClinVar aggregate classification (germline): Uncertain significance (1 of 4 stars; one submission).

Conditions:
Epileptic encephalopathy. Identifiers: MedGen C0543888, HP:0200134.

Allele frequency attached by ClinVar (database versions not stated): gnomAD exomes 0.00001; ExAC 0.00002.

Submission:

Labcorp Genetics (formerly Invitae), Labcorp
Classification: Uncertain significance for Epileptic encephalopathy. Last evaluated: 2022-10-21. Review status: criteria provided, single submitter. Criteria: Invitae Variant Classification Sherloc (09022015). Collection method: clinical testing. Allele origin: germline.
Comment: Algorithms developed to predict the effect of missense changes on protein structure and function are either unavailable or do not agree on the potential impact of this missense change (SIFT: "Deleterious"; PolyPhen-2: "Benign"; Align-GVGD: "Class C0"). In summary, the available evidence is currently insufficient to determine the role of this variant in disease. Therefore, it has been classified as a Variant of Uncertain Significance. This variant has not been reported in the literature in individuals affected with FASN-related conditions. This sequence change replaces valine, which is neutral and non-polar, with alanine, which is neutral and non-polar, at codon 2383 of the FASN protein (p.Val2383Ala). This variant is present in population databases (rs764497339, gnomAD 0.002%).

NM_004104.5(FASN):c.7148T>C (p.Val2383Ala)

Gene: FASN (fatty acid synthase; minus strand). Cytogenetic location: 17q25.3.
Variant type: single nucleotide variant.
Coding change: c.7148T>C on transcript NM_004104.5 (MANE Select); coding-DNA position 7148, T replaced by C.
Protein change: p.Val2383Ala; replaces valine 2383 with alanine.
Molecular consequence: missense variant.
Genome position (GRCh38, 1-based): chr17:82,079,607, A>G on the plus strand (T>C on the coding strand, the complement: FASN is on the minus strand). VCF-style: chr17-82079607-A-G. GRCh37 (hg19) VCF-style: chr17-80037483-A-G.
Other names: short protein forms V2383A.
Identifiers: ClinVar variation 2149192 (VCV002149192.4), dbSNP rs764497339, ClinGen allele CA8851081.